The following is an entry in ClinVar:

NM_001009999.3(KDM1A):c.872A>G (p.Lys291Arg)

Gene: KDM1A (lysine demethylase 1A; plus strand). Cytogenetic location: 1p36.12.
Variant type: single nucleotide variant.
Coding change: c.872A>G on transcript NM_001009999.3 (MANE Select); coding-DNA position 872, A replaced by G.
Protein change: p.Lys291Arg; replaces lysine 291 with arginine.
Molecular consequence: missense variant.
Genome position (GRCh38, 1-based): chr1:23,055,150, A>G. VCF-style: chr1-23055150-A-G. GRCh37 (hg19) VCF-style: chr1-23381643-A-G.
Other names: c.812A>G, p.Lys271Arg (NM_001363654.2, NM_001410763.1, NM_015013.4); c.872A>G, p.Lys291Arg (NM_001410762.1); short protein forms K291R, K271R.
Identifiers: ClinVar variation 3863276 (VCV003863276.1).

ClinVar aggregate classification (germline): Uncertain significance (1 of 4 stars; one submission).

Conditions:
Inborn genetic diseases. Identifiers: MedGen C0950123, MeSH D030342.

gnomAD v4.1: 11 of 1,604,642 alleles (0.00069%); highest among the groups gnomAD compares: Non-Finnish European, 0.00094%; no homozygotes.

Submission:

Ambry Genetics
Classification: Uncertain significance for Inborn genetic diseases. Last evaluated: 2025-01-18. Review status: criteria provided, single submitter. Criteria: Ambry Variant Classification Scheme 2023. Collection method: clinical testing. Allele origin: germline.
Comment: The p.K291R variant (also known as c.872A>G), located in coding exon 6 of the KDM1A gene, results from an A to G substitution at nucleotide position 872. The lysine at codon 291 is replaced by arginine, an amino acid with highly similar properties. This amino acid position is conserved. In addition, this alteration is predicted to be tolerated by in silico analysis. Based on the available evidence, the clinical significance of this variant remains unclear.